The following is an entry in ClinVar:

NM_006231.4(POLE):c.4157G>A (p.Arg1386Gln)

Gene: POLE (DNA polymerase epsilon, catalytic subunit; minus strand). Cytogenetic location: 12q24.33.
Variant type: single nucleotide variant.
Coding change: c.4157G>A on transcript NM_006231.4 (MANE Select); coding-DNA position 4157, G replaced by A.
Protein change: p.Arg1386Gln; replaces arginine 1386 with glutamine.
Molecular consequence: missense variant.
Genome position (GRCh38, 1-based): chr12:132,643,970, C>T on the plus strand (G>A on the coding strand, the complement: POLE is on the minus strand). VCF-style: chr12-132643970-C-T. GRCh37 (hg19) VCF-style: chr12-133220556-C-T.
Other names: c.4157G>A (NM_006231.2); short protein forms R1386Q.
Identifiers: ClinVar variation 540815 (VCV000540815.15), dbSNP rs969355093, ClinGen allele CA387382525.

ClinVar aggregate classification (germline): Uncertain significance. Review status: criteria provided, multiple submitters, no conflicts (2 of 4 stars). 5 submissions from 5 submitters: Uncertain significance (5). Last evaluated 2025-08-30.

Conditions:
Hereditary cancer-predisposing syndrome. Also called: Neoplastic Syndromes, Hereditary; Hereditary Cancer Syndrome; Hereditary neoplastic syndrome; Tumor predisposition. Identifiers: Orphanet 140162, MedGen C0027672, MeSH D009386, MONDO:0015356.

gnomAD v4.1: 15 of 1,612,996 alleles (0.00093%); highest among the groups gnomAD compares: East Asian, 0.0045%; no homozygotes.

Submissions (5):

Labcorp Genetics (formerly Invitae), Labcorp
Classification: Uncertain significance. Last evaluated: 2025-08-30. Review status: criteria provided, single submitter. Criteria: Invitae Variant Classification Sherloc (09022015). Collection method: clinical testing. Allele origin: germline.
Comment: This sequence change replaces arginine, which is basic and polar, with glutamine, which is neutral and polar, at codon 1386 of the POLE protein (p.Arg1386Gln). This variant is present in population databases (no rsID available, gnomAD 0.004%). This variant has not been reported in the literature in individuals affected with POLE-related conditions. ClinVar contains an entry for this variant (Variation ID: 540815). Invitae Evidence Modeling of protein sequence and biophysical properties (such as structural, functional, and spatial information, amino acid conservation, physicochemical variation, residue mobility, and thermodynamic stability) indicates that this missense variant is expected to disrupt POLE protein function with a positive predictive value of 80%. In summary, the available evidence is currently insufficient to determine the role of this variant in disease. Therefore, it has been classified as a Variant of Uncertain Significance.

Ambry Genetics
Classification: Uncertain significance for Hereditary cancer-predisposing syndrome. Last evaluated: 2025-05-03. Review status: criteria provided, single submitter. Criteria: Ambry Variant Classification Scheme 2023. Collection method: clinical testing. Allele origin: germline.
Comment: The p.R1386Q variant (also known as c.4157G>A), located in coding exon 33 of the POLE gene, results from a G to A substitution at nucleotide position 4157. The arginine at codon 1386 is replaced by glutamine, an amino acid with highly similar properties. This amino acid position is conserved. In addition, the in silico prediction for this alteration is inconclusive. Based on the available evidence, the clinical significance of this variant remains unclear.

GeneDx
Classification: Uncertain significance. Last evaluated: 2022-12-05. Review status: criteria provided, single submitter. Criteria: GeneDx Variant Classification Process June 2021. Collection method: clinical testing. Allele origin: germline. Affected: yes.
Comment: Not observed at significant frequency in large population cohorts (gnomAD); In silico analysis supports that this missense variant has a deleterious effect on protein structure/function; Has not been previously published as a pathogenic or benign germline variant to our knowledge; This variant is associated with the following publications: (PMID: 29056344)

Women's Health and Genetics/Laboratory Corporation of America, LabCorp
Classification: Uncertain significance. Last evaluated: 2022-09-22. Review status: criteria provided, single submitter. Criteria: LabCorp Variant Classification Summary - May 2015. Collection method: clinical testing. Allele origin: germline.
Comment: Variant summary: POLE c.4157G>A (p.Arg1386Gln) results in a conservative amino acid change in the encoded protein sequence. Three of five in-silico tools predict a damaging effect of the variant on protein function. The variant allele was found at a frequency of 8e-06 in 250920 control chromosomes. The available data on variant occurrences in the general population are insufficient to allow any conclusion about variant significance. To our knowledge, no occurrence of c.4157G>A in individuals affected with Colorectal Cancer and no experimental evidence demonstrating its impact on protein function have been reported. Co-occurrence with other pathogenic variant has been reported (PMS2 c.2113G>A, p.Glu705Lys, internal data), providing supporting evidence for a benign role. Two clinical diagnostic laboratories have submitted clinical-significance assessments for this variant to ClinVar after 2014 without evidence for independent evaluation. Both laboratories classified the variant as uncertain significance. Based on the evidence outlined above, the variant was classified as uncertain significance.

Quest Diagnostics Nichols Institute San Juan Capistrano
Classification: Uncertain significance. Last evaluated: 2018-10-09. Review status: criteria provided, single submitter. Criteria: Quest Diagnostics criteria. Collection method: clinical testing. Allele origin: germline.

Literature cited by the submitters: PubMed 29056344 (cited by Quest Diagnostics Nichols Institute San Juan Capistrano).